The following is an entry in ClinVar:

NM_000016.6(ACADM):c.217-1G>T

Gene: ACADM (acyl-CoA dehydrogenase medium chain; plus strand). Cytogenetic location: 1p31.1.
Variant type: single nucleotide variant.
Coding change: c.217-1G>T on transcript NM_000016.6 (MANE Select); the canonical splice acceptor site of the intron before coding-DNA position 217, G replaced by T.
Molecular consequence: splice acceptor variant.
Genome position (GRCh38, 1-based): chr1:75,732,852, G>T. VCF-style: chr1-75732852-G-T. GRCh37 (hg19) VCF-style: chr1-76198537-G-T.
Other names: c.229-1G>T (NM_001127328.3); c.217-1G>T (NM_001286043.2); c.109-1G>T (NM_001286042.2); c.-169-1G>T (NM_001286044.2).
Identifiers: ClinVar variation 4885348 (VCV004885348.2).

ClinVar aggregate classification (germline): Likely pathogenic (1 of 4 stars; one submission).

Submission:

Dasa
Classification: Likely pathogenic. Last evaluated: 2024-11-18. Review status: criteria provided, single submitter. Criteria: DASA Assertion Criteria. Collection method: clinical testing. Allele origin: germline.
Comment: NM_000016.6(ACADM):c.217-1G>T affects a canonical splice site and is predicted to disrupt normal RNA splicing. Loss of function is an established disease mechanism for ACADM-associated disorders. Also, this variant is absent from population databases. Based on the currently available evidence, this variant is classified as likely pathogenic.